The following is an entry in ClinVar:

NM_000264.5(PTCH1):c.3239C>T (p.Ala1080Val)

Gene: PTCH1 (patched 1; minus strand). Cytogenetic location: 9q22.32.
Variant type: single nucleotide variant.
Coding change: c.3239C>T on transcript NM_000264.5 (MANE Select); coding-DNA position 3239, C replaced by T.
Protein change: p.Ala1080Val; replaces alanine 1080 with valine.
Molecular consequence: missense variant. On other transcripts: non-coding transcript variant (1).
Genome position (GRCh38, 1-based): chr9:95,456,343, G>A on the plus strand (C>T on the coding strand, the complement: PTCH1 is on the minus strand). VCF-style: chr9-95456343-G-A. GRCh37 (hg19) VCF-style: chr9-98218625-G-A.
Other names: c.2786C>T, p.Ala929Val (NM_001083605.3, NM_001083606.3, NM_001083607.3 and 1 more transcripts); c.3083C>T, p.Ala1028Val (NM_001354918.2); c.3041C>T, p.Ala1014Val (NM_001083602.3); c.3236C>T, p.Ala1079Val (NM_001083603.3); short protein forms A1080V, A1014V, A1028V, A929V, A1079V.
Identifiers: ClinVar variation 453846 (VCV000453846.8), dbSNP rs781188522, ClinGen allele CA5138203.

ClinVar aggregate classification (germline): Conflicting classifications of pathogenicity. Review status: criteria provided, conflicting classifications (1 of 4 stars). 2 submissions from 2 submitters: Uncertain significance (1); Likely benign (1). Last evaluated 2025-07-10.

Conditions:
Hereditary cancer-predisposing syndrome. Also called: Tumor predisposition; Hereditary Cancer Syndrome; Neoplastic Syndromes, Hereditary; Hereditary neoplastic syndrome. Identifiers: Orphanet 140162, MedGen C0027672, MeSH D009386, MONDO:0015356.
Gorlin syndrome. Also called: Basal cell nevus syndrome; Nevoid Basal Cell Carcinoma Syndrome. Identifiers: Orphanet 377, MedGen C0004779, MONDO:0007187.

Allele frequency attached by ClinVar (database versions not stated): ExAC 0.00001; gnomAD exomes 0.00001.
gnomAD v4.1: 3 of 1,614,096 alleles (0.00019%); highest among the groups gnomAD compares: East Asian, 0.0045%; no homozygotes.

Submissions (2):

Ambry Genetics
Classification: Uncertain significance for Hereditary cancer-predisposing syndrome. Last evaluated: 2025-07-10. Review status: criteria provided, single submitter. Criteria: Ambry Variant Classification Scheme 2023. Collection method: clinical testing. Allele origin: germline.
Comment: The p.A1080V variant (also known as c.3239C>T), located in coding exon 19 of the PTCH1 gene, results from a C to T substitution at nucleotide position 3239. The alanine at codon 1080 is replaced by valine, an amino acid with similar properties. This amino acid position is highly conserved in available vertebrate species. In addition, this alteration is predicted to be deleterious by in silico analysis. Based on the available evidence, the clinical significance of this variant remains unclear.

Labcorp Genetics (formerly Invitae), Labcorp
Classification: Likely benign for Gorlin syndrome. Last evaluated: 2025-05-26. Review status: criteria provided, single submitter. Criteria: Invitae Variant Classification Sherloc (09022015). Collection method: clinical testing. Allele origin: germline.